The following is an entry in ClinVar:

ClinVar aggregate classification (germline): Likely benign (1 of 4 stars; one submission).

Allele frequency attached by ClinVar (database versions not stated): ExAC 0.00001; gnomAD exomes 0.00001; gnomAD 0.00005; ESP Exome Variant Server 0.00008; TOPMed 0.00008; 1000 Genomes Project 30x 0.00016.
gnomAD v4.1: 27 of 1,612,834 alleles (0.0017%); highest among the groups gnomAD compares: African/African-American, 0.0067%; no homozygotes.

Submission:

CeGaT Center for Human Genetics Tuebingen
Classification: Likely benign. Last evaluated: 2024-01-01. Review status: criteria provided, single submitter. Criteria: CeGaT Center For Human Genetics Tuebingen Variant Classification Criteria Version 2. Collection method: clinical testing. Allele origin: germline. Affected: yes. Observed: 1 variant allele.
Comment: DCC: BP4, BP7

NM_005215.4(DCC):c.1821C>T (p.Gly607=)

Gene: DCC (DCC netrin 1 receptor; plus strand). Cytogenetic location: 18q21.2.
Variant type: single nucleotide variant.
Coding change: c.1821C>T on transcript NM_005215.4 (MANE Select); coding-DNA position 1821, C replaced by T.
Protein change: p.Gly607=; no amino-acid change (glycine 607 retained).
Molecular consequence: synonymous variant.
Genome position (GRCh38, 1-based): chr18:53,207,777, C>T. VCF-style: chr18-53207777-C-T. GRCh37 (hg19) VCF-style: chr18-50734147-C-T.
Identifiers: ClinVar variation 3025771 (VCV003025771.22), dbSNP rs370522780, ClinGen allele CA8966991.